The following is an entry in ClinVar:

ClinVar aggregate classification (germline): Likely benign (0 of 4 stars; one submission).

Conditions:
SLC4A4-related disorder. Also called: SLC4A4-related condition.

Allele frequency attached by ClinVar (database versions not stated): gnomAD exomes below 0.00001.
gnomAD v4.1: 2 of 1,614,174 alleles (0.00012%); highest among the groups gnomAD compares: Middle Eastern, 0.016%; no homozygotes.

Submission:

PreventionGenetics, part of Exact Sciences
Classification: Likely benign for SLC4A4-related condition. Last evaluated: 2019-05-28. Review status: no assertion criteria provided. Collection method: clinical testing. Allele origin: germline.
Comment: This variant is classified as likely benign based on ACMG/AMP sequence variant interpretation guidelines (Richards et al. 2015 PMID: 25741868, with internal and published modifications).

NM_003759.4(SLC4A4):c.27G>A (p.Lys9=)

Genes: SLC4A4 (solute carrier family 4 member 4; plus strand), LOC129992668 (ATAC-STARR-seq lymphoblastoid active region 21606; plus strand). Cytogenetic location: 4q13.3.
Variant type: single nucleotide variant.
Coding change: c.27G>A on transcript NM_003759.4 (MANE Plus Clinical); coding-DNA position 27, G replaced by A.
Protein change: p.Lys9=; no amino-acid change (lysine 9 retained).
Molecular consequence: synonymous variant. On other transcripts: intron variant (2).
Genome position (GRCh38, 1-based): chr4:71,339,275, G>A. VCF-style: chr4-71339275-G-A. GRCh37 (hg19) VCF-style: chr4-72204992-G-A.
Other names: c.254-95G>A (NM_001134742.2, NM_001098484.3).
Identifiers: ClinVar variation 3044007 (VCV003044007.2), dbSNP rs1210167775, ClinGen allele CA439950207.